The following is an entry in ClinVar:

ClinVar aggregate classification (germline): Uncertain significance. Review status: criteria provided, multiple submitters, no conflicts (2 of 4 stars). 2 submissions from 2 submitters: Uncertain significance (2). Last evaluated 2025-06-22.

Conditions:
Inborn genetic diseases. Identifiers: MedGen C0950123, MeSH D030342.

gnomAD v4.1: 8 of 1,614,018 alleles (0.0005%); highest among the groups gnomAD compares: Admixed American, 0.0017%; no homozygotes.

Submissions (2):

Labcorp Genetics (formerly Invitae), Labcorp
Classification: Uncertain significance. Last evaluated: 2025-06-22. Review status: criteria provided, single submitter. Criteria: Invitae Variant Classification Sherloc (09022015). Collection method: clinical testing. Allele origin: germline.
Comment: This sequence change replaces serine, which is neutral and polar, with asparagine, which is neutral and polar, at codon 1378 of the DIP2C protein (p.Ser1378Asn). This variant is not present in population databases (gnomAD no frequency). This variant has not been reported in the literature in individuals affected with DIP2C-related conditions. ClinVar contains an entry for this variant (Variation ID: 3272108). An algorithm developed to predict the effect of missense changes on protein structure and function (PolyPhen-2) suggests that this variant is likely to be disruptive. In summary, the available evidence is currently insufficient to determine the role of this variant in disease. Therefore, it has been classified as a Variant of Uncertain Significance.

Ambry Genetics
Classification: Uncertain significance for Inborn genetic diseases. Last evaluated: 2024-05-20. Review status: criteria provided, single submitter. Criteria: Ambry Variant Classification Scheme 2023. Collection method: clinical testing. Allele origin: germline.

NM_014974.3(DIP2C):c.4133G>A (p.Ser1378Asn)

Gene: DIP2C (DIP2 acetate--CoA ligase C (putative); minus strand). Cytogenetic location: 10p15.3.
Variant type: single nucleotide variant.
Coding change: c.4133G>A on transcript NM_014974.3 (MANE Select); coding-DNA position 4133, G replaced by A.
Protein change: p.Ser1378Asn; replaces serine 1378 with asparagine.
Molecular consequence: missense variant.
Genome position (GRCh38, 1-based): chr10:283,433, C>T on the plus strand (G>A on the coding strand, the complement: DIP2C is on the minus strand). VCF-style: chr10-283433-C-T. GRCh37 (hg19) VCF-style: chr10-329373-C-T.
Other names: short protein forms S1378N.
Identifiers: ClinVar variation 3272108 (VCV003272108.2).